The following is an entry in ClinVar:

NM_001853.4(COL9A3):c.1776C>T (p.Pro592=)

Gene: COL9A3 (collagen type IX alpha 3 chain; plus strand). Cytogenetic location: 20q13.33.
Variant type: single nucleotide variant.
Coding change: c.1776C>T on transcript NM_001853.4 (MANE Select); coding-DNA position 1776, C replaced by T.
Protein change: p.Pro592=; no amino-acid change (proline 592 retained).
Molecular consequence: synonymous variant.
Genome position (GRCh38, 1-based): chr20:62,837,255, C>T. VCF-style: chr20-62837255-C-T. GRCh37 (hg19) VCF-style: chr20-61468607-C-T.
Other names: c.1776C>T, p.Pro592= (LRG_1253t1).
Identifiers: ClinVar variation 339306 (VCV000339306.42), dbSNP rs138477294, ClinGen allele CA9950188.

ClinVar aggregate classification (germline): Benign/Likely benign. Review status: criteria provided, multiple submitters, no conflicts (2 of 4 stars). 6 submissions from 6 submitters: Benign (1); Likely benign (4). 1 of the submissions does not count toward it. Last evaluated 2026-01-18.

Conditions:
COL9A3-related disorder. Also called: COL9A3-related condition.

Allele frequency attached by ClinVar (database versions not stated): gnomAD exomes 0.00032; ExAC 0.00039; gnomAD 0.00109 and 0.00113; TOPMed 0.00125; ESP Exome Variant Server 0.00131; 1000 Genomes Project 0.00200; 1000 Genomes Project 30x 0.00234.
gnomAD v4.1: 336 of 1,610,204 alleles (0.021%); highest among the groups gnomAD compares: African/African-American, 0.38%; no homozygotes.

Submissions (6):

Labcorp Genetics (formerly Invitae), Labcorp
Classification: Benign. Last evaluated: 2026-01-18. Review status: criteria provided, single submitter. Criteria: Invitae Variant Classification Sherloc (09022015). Collection method: clinical testing. Allele origin: germline.

CeGaT Center for Human Genetics Tuebingen
Classification: Likely benign. Last evaluated: 2025-07-01. Review status: criteria provided, single submitter. Criteria: CeGaT Center For Human Genetics Tuebingen Variant Classification Criteria Version 2. Collection method: clinical testing. Allele origin: germline. Affected: yes. Observed: 2 variant alleles.
Comment: COL9A3: BP4, BP7

Blueprint Genetics
Classification: Likely benign. Last evaluated: 2024-07-15. Review status: criteria provided, single submitter. Criteria: ACMG Guidelines, 2015. Collection method: clinical testing. Allele origin: germline.

GeneDx
Classification: Likely benign. Last evaluated: 2021-05-13. Review status: criteria provided, single submitter. Criteria: GeneDx Variant Classification Process June 2021. Collection method: clinical testing. Allele origin: germline. Affected: yes.

Breakthrough Genomics
Classification: Likely benign. Review status: criteria provided, single submitter. Criteria: ACMG Guidelines, 2015. Collection method: not provided. Allele origin: germline. Inheritance: Autosomal recessive inheritance. Affected: yes.

PreventionGenetics, part of Exact Sciences
Classification: Benign for COL9A3-related condition. Last evaluated: 2019-08-07. Review status: no assertion criteria provided. Collection method: clinical testing. Allele origin: germline. Not counted in ClinVar's aggregate classification.
Comment: This variant is classified as benign based on ACMG/AMP sequence variant interpretation guidelines (Richards et al. 2015 PMID: 25741868, with internal and published modifications).